The following is an entry in ClinVar:

NM_018942.3(HMX1):c.200G>A (p.Arg67Gln)

Gene: HMX1 (H6 family homeobox 1; minus strand). Cytogenetic location: 4p16.1.
Variant type: single nucleotide variant.
Coding change: c.200G>A on transcript NM_018942.3 (MANE Select); coding-DNA position 200, G replaced by A.
Protein change: p.Arg67Gln; replaces arginine 67 with glutamine.
Molecular consequence: missense variant.
Genome position (GRCh38, 1-based): chr4:8,871,415, C>T on the plus strand (G>A on the coding strand, the complement: HMX1 is on the minus strand). VCF-style: chr4-8871415-C-T. GRCh37 (hg19) VCF-style: chr4-8873141-C-T.
Other names: c.200G>A, p.Arg67Gln (NM_001306142.2); short protein forms R67Q.
Identifiers: ClinVar variation 2026158 (VCV002026158.4), dbSNP rs541073259, ClinGen allele CA356279124.

ClinVar aggregate classification (germline): Uncertain significance (1 of 4 stars; one submission).

gnomAD v4.1: 1 of 1,298,006 alleles (0.000077%); highest among the groups gnomAD compares: Admixed American, 0.0037%; no homozygotes.

Submission:

Labcorp Genetics (formerly Invitae), Labcorp
Classification: Uncertain significance. Last evaluated: 2021-12-25. Review status: criteria provided, single submitter. Criteria: Invitae Variant Classification Sherloc (09022015). Collection method: clinical testing. Allele origin: germline.
Comment: In summary, the available evidence is currently insufficient to determine the role of this variant in disease. Therefore, it has been classified as a Variant of Uncertain Significance. Algorithms developed to predict the effect of missense changes on protein structure and function are either unavailable or do not agree on the potential impact of this missense change (SIFT: "Tolerated"; PolyPhen-2: "Not Available"; Align-GVGD: "Class C0"). This variant has not been reported in the literature in individuals affected with HMX1-related conditions. This variant is not present in population databases (gnomAD no frequency). This sequence change replaces arginine, which is basic and polar, with glutamine, which is neutral and polar, at codon 67 of the HMX1 protein (p.Arg67Gln).